The following is an entry in ClinVar:

NM_000091.5(COL4A3):c.3044G>A (p.Gly1015Glu)

Genes: COL4A3 (collagen type IV alpha 3 chain; plus strand), MFF-DT (MFF divergent transcript; minus strand). Cytogenetic location: 2q36.3.
Variant type: single nucleotide variant.
Coding change: c.3044G>A on transcript NM_000091.5 (MANE Select); coding-DNA position 3044, G replaced by A.
Protein change: p.Gly1015Glu; replaces glycine 1015 with glutamic acid.
Molecular consequence: missense variant.
Genome position (GRCh38, 1-based): chr2:227,290,062, G>A. VCF-style: chr2-227290062-G-A. GRCh37 (hg19) VCF-style: chr2-228154778-G-A.
Other names: short protein forms G1015E.
Identifiers: ClinVar variation 17489 (VCV000017489.5), dbSNP rs121912826, ClinGen allele CA127228.

ClinVar aggregate classification (germline): Pathogenic/Likely pathogenic. Review status: criteria provided, multiple submitters, no conflicts (2 of 4 stars). 4 submissions from 4 submitters: Pathogenic (1); Likely pathogenic (2). 1 of the submissions does not count toward it. Last evaluated 2025-03-04.

Conditions:
Autosomal dominant Alport syndrome (ATS3A). Also called: Alport syndrome dominant type; Renal failure and sensorineural hearing loss; ALPORT SYNDROME 3A, AUTOSOMAL DOMINANT. Identifiers: Orphanet 63, Orphanet 88918, MedGen C5882663, MONDO:0007086, OMIM 104200.
Benign familial hematuria. Also called: thin basement membrane disease. Identifiers: MedGen C0241908, MONDO:0957317.

Submissions (4):

Labcorp Genetics (formerly Invitae), Labcorp
Classification: Pathogenic. Last evaluated: 2025-03-04. Review status: criteria provided, single submitter. Criteria: Invitae Variant Classification Sherloc (09022015). Collection method: clinical testing. Allele origin: germline.
Comment: This sequence change replaces glycine, which is neutral and non-polar, with glutamic acid, which is acidic and polar, at codon 1015 of the COL4A3 protein (p.Gly1015Glu). This variant is not present in population databases (gnomAD no frequency). This missense change has been observed in individuals with clinical features of Alport syndrome (PMID: 11961012, 33532864). It has also been observed to segregate with disease in related individuals. ClinVar contains an entry for this variant (Variation ID: 17489). Invitae Evidence Modeling of protein sequence and biophysical properties (such as structural, functional, and spatial information, amino acid conservation, physicochemical variation, residue mobility, and thermodynamic stability) indicates that this missense variant is expected to disrupt COL4A3 protein function with a positive predictive value of 80%. For these reasons, this variant has been classified as Pathogenic.

Institute of Human Genetics Munich, TUM University Hospital
Classification: Likely pathogenic for Hematuria, benign familial, 1. Last evaluated: 2022-03-04. Review status: criteria provided, single submitter. Criteria: Classification criteria August 2017. Collection method: clinical testing. Allele origin: germline. Inheritance: Autosomal dominant inheritance. Affected: yes. Observed: 1 variant allele.

Molecular Biology Laboratory, Fundació Puigvert
Classification: Likely pathogenic for Autosomal dominant Alport syndrome. Last evaluated: 2020-02-01. Review status: criteria provided, single submitter. Criteria: ACMG Guidelines, 2015. Collection method: research. Allele origin: maternal. Affected: yes. Study: KidneyPanel_2020.

OMIM
Classification: Pathogenic for HEMATURIA, BENIGN FAMILIAL. Last evaluated: 2002-05-01. Review status: no assertion criteria provided. Collection method: literature only. Allele origin: germline. Not counted in ClinVar's aggregate classification.

Literature cited by the submitters: PubMed 11961012 (cited by Labcorp Genetics (formerly Invitae), Labcorp and OMIM); PubMed 33532864 (cited by Labcorp Genetics (formerly Invitae), Labcorp and Molecular Biology Laboratory, Fundació Puigvert).